The following is an entry in ClinVar:

ClinVar aggregate classification (germline): Uncertain significance (1 of 4 stars; one submission).

Conditions:
Hereditary cancer-predisposing syndrome. Also called: Tumor predisposition; Neoplastic Syndromes, Hereditary; Hereditary Cancer Syndrome; Hereditary neoplastic syndrome. Identifiers: Orphanet 140162, MedGen C0027672, MeSH D009386, MONDO:0015356.

Submission:

Ambry Genetics
Classification: Uncertain significance for Hereditary cancer-predisposing syndrome. Last evaluated: 2024-12-09. Review status: criteria provided, single submitter. Criteria: Ambry Variant Classification Scheme 2023. Collection method: clinical testing. Allele origin: germline.
Comment: The p.E218K variant (also known as c.652G>A), located in coding exon 7 of the BRCA2 gene, results from a G to A substitution at nucleotide position 652. The glutamic acid at codon 218 is replaced by lysine, an amino acid with similar properties. This amino acid position is not well conserved in available vertebrate species. In addition, this alteration is predicted to be tolerated by in silico analysis. Based on the available evidence, the clinical significance of this variant remains unclear.

NM_000059.4(BRCA2):c.652G>A (p.Glu218Lys)

Gene: BRCA2 (BRCA2 DNA repair associated; plus strand). Cytogenetic location: 13q13.1.
Variant type: single nucleotide variant.
Coding change: c.652G>A on transcript NM_000059.4 (MANE Select); coding-DNA position 652, G replaced by A.
Protein change: p.Glu218Lys; replaces glutamic acid 218 with lysine.
Molecular consequence: missense variant. On other transcripts: non-coding transcript variant (1).
Genome position (GRCh38, 1-based): chr13:32,329,463, G>A. VCF-style: chr13-32329463-G-A. GRCh37 (hg19) VCF-style: chr13-32903600-G-A.
Other names: c.652G>A, p.Glu218Lys (NM_001406719.1, NM_001406720.1, NM_001406721.1 and 1 more transcripts); c.283G>A, p.Glu95Lys (NM_001406722.1); short protein forms E218K, E95K.
Identifiers: ClinVar variation 3482202 (VCV003482202.1).